The following is an entry in ClinVar:

ClinVar aggregate classification (germline): Uncertain significance. Review status: criteria provided, multiple submitters, no conflicts (2 of 4 stars). 5 submissions from 5 submitters: Uncertain significance (5). Last evaluated 2025-08-10.

Conditions:
Familial cancer of breast. Also called: hereditary breast carcinoma; Hereditary breast cancer; BREAST CANCER, FAMILIAL. Identifiers: Orphanet 227535, MedGen C0346153, MONDO:0016419, OMIM 114480. Disease mechanism: loss of function.
Hereditary cancer-predisposing syndrome. Also called: Hereditary neoplastic syndrome; Hereditary Cancer Syndrome; Tumor predisposition; Neoplastic Syndromes, Hereditary. Identifiers: Orphanet 140162, MedGen C0027672, MeSH D009386, MONDO:0015356.

gnomAD v4.1: 1 of 1,614,090 alleles (0.000062%); highest among the groups gnomAD compares: Non-Finnish European, 0.000085%; no homozygotes.

Submissions (5):

Ambry Genetics
Classification: Uncertain significance for Hereditary cancer-predisposing syndrome. Last evaluated: 2025-08-10. Review status: criteria provided, single submitter. Criteria: Ambry Variant Classification Scheme 2023. Collection method: clinical testing. Allele origin: germline.
Comment: The p.P191T variant (also known as c.571C>A), located in coding exon 4 of the PALB2 gene, results from a C to A substitution at nucleotide position 571. The proline at codon 191 is replaced by threonine, an amino acid with highly similar properties. This amino acid position is poorly conserved in available vertebrate species. In addition, this alteration is predicted to be tolerated by in silico analysis. Since supporting evidence is limited at this time, the clinical significance of this alteration remains unclear.

Labcorp Genetics (formerly Invitae), Labcorp
Classification: Uncertain significance for Familial cancer of breast. Last evaluated: 2024-10-23. Review status: criteria provided, single submitter. Criteria: Invitae Variant Classification Sherloc (09022015). Collection method: clinical testing. Allele origin: germline.
Comment: This sequence change replaces proline, which is neutral and non-polar, with threonine, which is neutral and polar, at codon 191 of the PALB2 protein (p.Pro191Thr). This variant is not present in population databases (gnomAD no frequency). This variant has not been reported in the literature in individuals affected with PALB2-related conditions. ClinVar contains an entry for this variant (Variation ID: 439236). An algorithm developed to predict the effect of missense changes on protein structure and function (PolyPhen-2) suggests that this variant is likely to be disruptive. In summary, the available evidence is currently insufficient to determine the role of this variant in disease. Therefore, it has been classified as a Variant of Uncertain Significance.

Color Diagnostics, LLC DBA Color Health
Classification: Uncertain significance for Hereditary cancer-predisposing syndrome. Last evaluated: 2023-03-16. Review status: criteria provided, single submitter. Criteria: ACMG Guidelines, 2015. Collection method: clinical testing. Allele origin: germline.
Comment: This missense variant replaces proline with threonine at codon 191 of the PALB2 protein. Computational prediction suggests that this variant may not impact protein structure and function (internally defined REVEL score threshold <= 0.5, PMID: 27666373). To our knowledge, functional studies have not been reported for this variant. This variant has not been reported in individuals affected with PALB2-related disorders in the literature. This variant has not been identified in the general population by the Genome Aggregation Database (gnomAD). The available evidence is insufficient to determine the role of this variant in disease conclusively. Therefore, this variant is classified as a Variant of Uncertain Significance.

GeneDx
Classification: Uncertain significance. Last evaluated: 2019-09-16. Review status: criteria provided, single submitter. Criteria: GeneDx Variant Classification Process June 2021. Collection method: clinical testing. Allele origin: germline. Affected: yes.
Comment: Not observed in large population cohorts (Lek 2016); In silico analysis, which includes protein predictors and evolutionary conservation, supports a deleterious effect; Has not been previously published as pathogenic or benign to our knowledge

Quest Diagnostics Nichols Institute San Juan Capistrano
Classification: Uncertain significance. Last evaluated: 2017-02-21. Review status: criteria provided, single submitter. Criteria: Quest Diagnostics criteria. Collection method: clinical testing. Allele origin: germline.

NM_024675.4(PALB2):c.571C>A (p.Pro191Thr)

Gene: PALB2 (partner and localizer of BRCA2; minus strand). Cytogenetic location: 16p12.2.
Variant type: single nucleotide variant.
Coding change: c.571C>A on transcript NM_024675.4 (MANE Select); coding-DNA position 571, C replaced by A.
Protein change: p.Pro191Thr; replaces proline 191 with threonine.
Molecular consequence: missense variant.
Genome position (GRCh38, 1-based): chr16:23,635,975, G>T on the plus strand (C>A on the coding strand, the complement: PALB2 is on the minus strand). VCF-style: chr16-23635975-G-T. GRCh37 (hg19) VCF-style: chr16-23647296-G-T.
Other names: short protein forms P191T.
Identifiers: ClinVar variation 439236 (VCV000439236.22), dbSNP rs587780221, ClinGen allele CA395136796.